The following is an entry in ClinVar:

NM_018480.7(TMEM126B):c.187del (p.Tyr63fs)

Gene: TMEM126B (transmembrane protein 126B; plus strand). Cytogenetic location: 11q14.1.
Variant type: Deletion.
Coding change: c.187del on transcript NM_018480.7 (MANE Select); coding-DNA position 187, one base deleted (T; older notation c.187delT).
Protein change: p.Tyr63fs; shifts the reading frame from tyrosine 63.
Molecular consequence: frameshift variant. On other transcripts: non-coding transcript variant (2), intron variant (2).
Genome position (GRCh38, 1-based): chr11:85,631,792, T deleted. VCF-style (leftmost placement, unchanged base first): chr11-85631791-CT-C. GRCh37 (hg19) VCF-style: chr11-85342835-CT-C.
Other names: c.127del, p.Tyr43fs (NM_001193537.3, NM_001350395.2); c.97del, p.Tyr33fs (NM_001193538.3, NM_001256546.2, NM_001350396.2); c.187del, p.Tyr63fs (NM_001350394.2); c.66-2294del (NM_001256547.2); c.82-2294del (NM_001350393.1); short protein forms Y43fs, Y63fs, Y33fs.
Identifiers: ClinVar variation 1953147 (VCV001953147.5), dbSNP rs2490665160, ClinGen allele CA2580085000.

ClinVar aggregate classification (germline): Pathogenic (1 of 4 stars; one submission).

Submission:

Labcorp Genetics (formerly Invitae), Labcorp
Classification: Pathogenic. Last evaluated: 2024-10-22. Review status: criteria provided, single submitter. Criteria: Invitae Variant Classification Sherloc (09022015). Collection method: clinical testing. Allele origin: germline.
Comment: This sequence change creates a premature translational stop signal (p.Tyr63Ilefs*6) in the TMEM126B gene. It is expected to result in an absent or disrupted protein product. Loss-of-function variants in TMEM126B are known to be pathogenic (PMID: 27374774). This variant is not present in population databases (gnomAD no frequency). This variant has not been reported in the literature in individuals affected with TMEM126B-related conditions. ClinVar contains an entry for this variant (Variation ID: 1953147). For these reasons, this variant has been classified as Pathogenic.

Literature cited by the submitters: PubMed 27374774.